The following is an entry in ClinVar:

ClinVar aggregate classification (germline): Uncertain significance. Review status: criteria provided, multiple submitters, no conflicts (2 of 4 stars). 3 submissions from 3 submitters: Uncertain significance (2). 1 of the submissions does not count toward it. Last evaluated 2022-03-24.

Conditions:
Abetalipoproteinaemia (ABL). Also called: Abetalipoproteinemia; Abetalipoproteinemia neuropathy; Apolipoprotein B deficiency; Congenital betalipoprotein deficiency syndrome; MTP DEFICIENCY. Identifiers: Orphanet 14, MedGen C0000744, MONDO:0008692, OMIM 200100, HP:0008181.

Submissions (3):

Blueprint Genetics
Classification: Uncertain significance. Last evaluated: 2022-03-24. Review status: criteria provided, single submitter. Criteria: ACMG Guidelines, 2015. Collection method: clinical testing. Allele origin: germline.

Labcorp Genetics (formerly Invitae), Labcorp
Classification: Uncertain significance. Last evaluated: 2022-02-23. Review status: criteria provided, single submitter. Criteria: Invitae Variant Classification Sherloc (09022015). Collection method: clinical testing. Allele origin: germline.
Comment: This sequence change replaces arginine, which is basic and polar, with lysine, which is basic and polar, at codon 838 of the MTTP protein (p.Arg838Lys). This variant also falls at the last nucleotide of exon 18, which is part of the consensus splice site for this exon. This variant is not present in population databases (gnomAD no frequency). This variant has not been reported in the literature in individuals affected with MTTP-related conditions. ClinVar contains an entry for this variant (Variation ID: 966837). Algorithms developed to predict the effect of missense changes on protein structure and function (SIFT, PolyPhen-2, Align-GVGD) all suggest that this variant is likely to be tolerated. Variants that disrupt the consensus splice site are a relatively common cause of aberrant splicing (PMID: 17576681, 9536098). Algorithms developed to predict the effect of sequence changes on RNA splicing suggest that this variant may disrupt the consensus splice site. In summary, the available evidence is currently insufficient to determine the role of this variant in disease. Therefore, it has been classified as a Variant of Uncertain Significance.

Natera, Inc.
Classification: Uncertain significance for Abetalipoproteinemia. Last evaluated: 2020-10-12. Review status: no assertion criteria provided. Collection method: clinical testing. Allele origin: germline. Not counted in ClinVar's aggregate classification.

Literature cited by the submitters: PubMed 17576681 (cited by Labcorp Genetics (formerly Invitae), Labcorp); PubMed 9536098 (cited by Labcorp Genetics (formerly Invitae), Labcorp).

NM_001386140.1(MTTP):c.2513G>A (p.Arg838Lys)

Gene: MTTP (microsomal triglyceride transfer protein; plus strand). Cytogenetic location: 4q23.
Variant type: single nucleotide variant.
Coding change: c.2513G>A on transcript NM_001386140.1 (MANE Select); coding-DNA position 2513, G replaced by A.
Protein change: p.Arg838Lys; replaces arginine 838 with lysine.
Molecular consequence: missense variant.
Genome position (GRCh38, 1-based): chr4:99,621,231, G>A. VCF-style: chr4-99621231-G-A. GRCh37 (hg19) VCF-style: chr4-100542388-G-A.
Other names: c.2513G>A, p.Arg838Lys (NM_000253.4); c.2264G>A, p.Arg755Lys (NM_001300785.2); short protein forms R838K, R755K.
Identifiers: ClinVar variation 966837 (VCV000966837.6), dbSNP rs1726222895, ClinGen allele CA357520036.
Genomic context (GRCh38, chr4:99,621,231, plus strand): 5'-AGTTTTCTCAGTACCCATTCTTAGTTTGCATGCAGATGGACAAGGATGAAGCTCCATTCA[G>A]GTAAGATGCAGCGTTCAGGTCATGTTCCAGGACCATCCCCAGTGCACCAGGAACTTGCAT-3'
Protein context (NP_001373069.1, residues 828-848): MQMDKDEAPF[Arg838Lys]QFEKKYERLS